The following is an entry in ClinVar:

NM_006019.4(TCIRG1):c.1070T>C (p.Met357Thr)

Gene: TCIRG1 (T cell immune regulator 1, ATPase H+ transporting V0 subunit a3; plus strand). Cytogenetic location: 11q13.2.
Variant type: single nucleotide variant.
Coding change: c.1070T>C on transcript NM_006019.4 (MANE Select); coding-DNA position 1070, T replaced by C.
Protein change: p.Met357Thr; replaces methionine 357 with threonine.
Molecular consequence: missense variant. On other transcripts: intron variant (1).
Genome position (GRCh38, 1-based): chr11:68,045,007, T>C. VCF-style: chr11-68045007-T-C. GRCh37 (hg19) VCF-style: chr11-67812474-T-C.
Other names: c.176T>C, p.Met59Thr (NM_001351059.2); c.1070T>C, p.Met357Thr (NM_001440552.1, NM_001440553.1, NM_001440554.1 and 2 more transcripts); c.1028T>C, p.Met343Thr (NM_001440555.1, NM_001440556.1, NM_001440563.1); c.857T>C, p.Met286Thr (NM_001440559.1, NM_001440560.1, NM_001440561.1 and 3 more transcripts); c.815T>C, p.Met272Thr (NM_001440564.1); c.770T>C, p.Met257Thr (NM_001440565.1); c.602T>C, p.Met201Thr (NM_001440568.1); c.422T>C, p.Met141Thr (NM_006053.4); and 1 more; short protein forms M141T, M286T, M343T, M59T, M201T, M257T, M272T, M357T.
Identifiers: ClinVar variation 4632878 (VCV004632878.2).

ClinVar aggregate classification (germline): Uncertain significance. Review status: criteria provided, multiple submitters, no conflicts (2 of 4 stars). 2 submissions from 2 submitters: Uncertain significance (2). Last evaluated 2025-11-26.

Conditions:
Inborn genetic diseases. Identifiers: MedGen C0950123, MeSH D030342.

Submissions (2):

Ambry Genetics
Classification: Uncertain significance for Inborn genetic diseases. Last evaluated: 2025-11-26. Review status: criteria provided, single submitter. Criteria: Ambry Variant Classification Scheme 2023. Collection method: clinical testing. Allele origin: germline.

Labcorp Genetics (formerly Invitae), Labcorp
Classification: Uncertain significance. Last evaluated: 2025-07-30. Review status: criteria provided, single submitter. Criteria: Invitae Variant Classification Sherloc (09022015). Collection method: clinical testing. Allele origin: germline.
Comment: This sequence change replaces methionine, which is neutral and non-polar, with threonine, which is neutral and polar, at codon 357 of the TCIRG1 protein (p.Met357Thr). This variant is not present in population databases (gnomAD no frequency). This variant has not been reported in the literature in individuals affected with TCIRG1-related conditions. Invitae Evidence Modeling of protein sequence and biophysical properties (such as structural, functional, and spatial information, amino acid conservation, physicochemical variation, residue mobility, and thermodynamic stability) indicates that this missense variant is not expected to disrupt TCIRG1 protein function with a negative predictive value of 80%. In summary, the available evidence is currently insufficient to determine the role of this variant in disease. Therefore, it has been classified as a Variant of Uncertain Significance.